The following is an entry in ClinVar:

ClinVar aggregate classification (germline): Uncertain significance (1 of 4 stars; one submission).

Conditions:
Early-infantile DEE. Also called: Early infantile epileptic encephalopathy with suppression bursts; Early infantile epileptic encephalopathy; Ohtahara syndrome. Identifiers: Orphanet 1934, MedGen C0393706, MONDO:0800491.

Allele frequency attached by ClinVar (database versions not stated): TOPMed below 0.00001.

Submission:

Labcorp Genetics (formerly Invitae), Labcorp
Classification: Uncertain significance for Early-infantile DEE. Last evaluated: 2019-02-20. Review status: criteria provided, single submitter. Criteria: Invitae Variant Classification Sherloc (09022015). Collection method: clinical testing. Allele origin: germline.
Comment: This variant is not present in population databases (ExAC no frequency). This sequence change replaces cysteine with tyrosine at codon 864 of the KCNH5 protein (p.Cys864Tyr). The cysteine residue is moderately conserved and there is a large physicochemical difference between cysteine and tyrosine. This variant has not been reported in the literature in individuals with KCNH5-related disease. Algorithms developed to predict the effect of missense changes on protein structure and function are either unavailable or do not agree on the potential impact of this missense change (SIFT: "Deleterious"; PolyPhen-2: "Possibly Damaging"; Align-GVGD: "Class C0"). In summary, the available evidence is currently insufficient to determine the role of this variant in disease. Therefore, it has been classified as a Variant of Uncertain Significance.

NM_139318.5(KCNH5):c.2591G>A (p.Cys864Tyr)

Gene: KCNH5 (potassium voltage-gated channel subfamily H member 5; minus strand). Cytogenetic location: 14q23.2.
Variant type: single nucleotide variant.
Coding change: c.2591G>A on transcript NM_139318.5 (MANE Select); coding-DNA position 2591, G replaced by A.
Protein change: p.Cys864Tyr; replaces cysteine 864 with tyrosine.
Molecular consequence: missense variant. On other transcripts: 3 prime UTR variant (1).
Genome position (GRCh38, 1-based): chr14:62,707,884, C>T on the plus strand (G>A on the coding strand, the complement: KCNH5 is on the minus strand). VCF-style: chr14-62707884-C-T. GRCh37 (hg19) VCF-style: chr14-63174602-C-T.
Other names: c.*558G>A (NM_172375.3); short protein forms C864Y.
Identifiers: ClinVar variation 652298 (VCV000652298.11), dbSNP rs1595587379, ClinGen allele CA390100265.